The following is an entry in ClinVar:

ClinVar aggregate classification (germline): Conflicting classifications of pathogenicity. Review status: criteria provided, conflicting classifications (1 of 4 stars). 8 submissions from 8 submitters: Uncertain significance (6); Likely benign (1). 1 of the submissions does not count toward it. Last evaluated 2025-11-04.

Conditions:
Juvenile polyposis syndrome (JPS). Identifiers: Orphanet 2929, MedGen C0345893, MONDO:0017380, OMIM 174900.
Hereditary cancer-predisposing syndrome. Also called: Neoplastic Syndromes, Hereditary; Tumor predisposition; Hereditary neoplastic syndrome; Hereditary Cancer Syndrome. Identifiers: Orphanet 140162, MedGen C0027672, MeSH D009386, MONDO:0015356.

Allele frequency attached by ClinVar (database versions not stated): gnomAD exomes below 0.00001; ExAC 0.00001; gnomAD 0.00001; TOPMed 0.00002; ESP Exome Variant Server 0.00008.
gnomAD v4.1: 6 of 1,614,072 alleles (0.00037%); highest among the groups gnomAD compares: African/African-American, 0.0013%; no homozygotes.

Submissions (8):

Labcorp Genetics (formerly Invitae), Labcorp
Classification: Uncertain significance for Juvenile polyposis syndrome. Last evaluated: 2025-11-04. Review status: criteria provided, single submitter. Criteria: Invitae Variant Classification Sherloc (09022015). Collection method: clinical testing. Allele origin: germline.
Comment: This sequence change replaces arginine, which is basic and polar, with cysteine, which is neutral and slightly polar, at codon 478 of the BMPR1A protein (p.Arg478Cys). This variant is present in population databases (rs372178531, gnomAD 0.007%). This missense change has been observed in individual(s) with a history of colorectal polyps or colorectal, endometrial, breast or ovarian cancer (PMID: 25980754). ClinVar contains an entry for this variant (Variation ID: 246435). Invitae Evidence Modeling of protein sequence and biophysical properties (such as structural, functional, and spatial information, amino acid conservation, physicochemical variation, residue mobility, and thermodynamic stability) has been performed for this missense variant. However, the output from this modeling did not meet the statistical confidence thresholds required to predict the impact of this variant on BMPR1A protein function. In summary, the available evidence is currently insufficient to determine the role of this variant in disease. Therefore, it has been classified as a Variant of Uncertain Significance.

GeneDx
Classification: Uncertain significance. Last evaluated: 2024-06-05. Review status: criteria provided, single submitter. Criteria: GeneDx Variant Classification Process June 2021. Collection method: clinical testing. Allele origin: germline. Affected: yes.
Comment: Not observed at significant frequency in large population cohorts (gnomAD); In silico analysis supports that this missense variant has a deleterious effect on protein structure/function; Has not been previously published as pathogenic or benign to our knowledge; This variant is associated with the following publications: (PMID: 25980754)

All of Us Research Program, National Institutes of Health
Classification: Uncertain significance for Juvenile polyposis syndrome. Last evaluated: 2023-11-02. Review status: criteria provided, single submitter. Criteria: ACMG Guidelines, 2015. Collection method: clinical testing. Allele origin: germline. Inheritance: Autosomal dominant inheritance. Observed: 2 variant alleles, 2 heterozygotes.
Comment: This missense variant replaces arginine with cysteine at codon 478 of the BMPR1A protein. Computational prediction suggests that this variant may not impact protein structure and function (internally defined REVEL score threshold <= 0.5, PMID: 27666373). To our knowledge, functional studies have not been reported for this variant. This variant has been reported in an individual affected with Lynch syndrome-associated cancer and/or polyps (PMID: 25980754). This variant has been identified in 1/251492 chromosomes in the general population by the Genome Aggregation Database (gnomAD). The available evidence is insufficient to determine the role of this variant in disease conclusively. Therefore, this variant is classified as a Variant of Uncertain Significance.

This study involves interpretation of variants in research participants for the purpose of population health screening. Participant phenotype was not available at the time of variant classification. Additional details can be found in publication PMID: 35346344, PMCID: PMC8962531

Color Diagnostics, LLC DBA Color Health
Classification: Uncertain significance for Hereditary cancer-predisposing syndrome. Last evaluated: 2023-10-18. Review status: criteria provided, single submitter. Criteria: ACMG Guidelines, 2015. Collection method: clinical testing. Allele origin: germline.
Comment: This missense variant replaces arginine with cysteine at codon 478 of the BMPR1A protein. Computational prediction suggests that this variant may not impact protein structure and function (internally defined REVEL score threshold <= 0.5, PMID: 27666373). To our knowledge, functional studies have not been reported for this variant. This variant has been reported in an individual affected with Lynch syndrome-associated cancer and/or polyps (PMID: 25980754). This variant has been identified in 1/251492 chromosomes in the general population by the Genome Aggregation Database (gnomAD). The available evidence is insufficient to determine the role of this variant in disease conclusively. Therefore, this variant is classified as a Variant of Uncertain Significance.

Myriad Genetics, Inc.
Classification: Uncertain significance for Juvenile polyposis syndrome. Last evaluated: 2023-03-02. Review status: criteria provided, single submitter. Criteria: Myriad Autosomal Dominant, Autosomal Recessive and X-Linked Classification Criteria (2023). Collection method: clinical testing. Allele origin: unknown.
Comment: This variant is classified as a variant of uncertain significance as there is insufficient evidence to determine its impact on protein function and/or cancer risk.

Ambry Genetics
Classification: Likely benign for Hereditary cancer-predisposing syndrome. Last evaluated: 2023-02-13. Review status: criteria provided, single submitter. Criteria: Ambry Variant Classification Scheme 2023. Collection method: clinical testing. Allele origin: germline.

Sema4
Classification: Uncertain significance for Hereditary cancer-predisposing syndrome. Last evaluated: 2021-04-21. Review status: criteria provided, single submitter. Criteria: Sema4 Curation Guidelines. Collection method: curation. Allele origin: germline.
Comment: The BMPR1A c.1432C>T (p.R478C) variant has been reported in a cohort of individuals who underwent clinical genetic testing for a history of Lynch syndrome-associated cancer and/or colorectal polyps (PMID: 25980754). It was observed in 1/16256 chromosomes of the African/African American subpopulation in the large and broad cohorts of the Genome Aggregation Database (PMID: 32461654). The variant has been reported in ClinVar (Variation ID 246435). Computational analyses and evolutionary conservation data do not provide strong support for or against an impact to the protein, however these predictions have not been confirmed by published functional studies. The evidence is insufficient to meet ACMG/AMP criteria for classifying the variant as benign or pathogenic. Thus, the clinical significance of this variant is currently uncertain.

Counsyl
Classification: Uncertain significance for Juvenile polyposis syndrome. Last evaluated: 2017-08-11. Review status: no assertion criteria provided. Collection method: clinical testing. Allele origin: unknown. Not counted in ClinVar's aggregate classification.

Literature cited by the submitters: PubMed 25980754 (cited by 6 submitters).

NM_004329.3(BMPR1A):c.1432C>T (p.Arg478Cys)

Gene: BMPR1A (bone morphogenetic protein receptor type 1A; plus strand). Cytogenetic location: 10q23.2.
Variant type: single nucleotide variant.
Coding change: c.1432C>T on transcript NM_004329.3 (MANE Select); coding-DNA position 1432, C replaced by T.
Protein change: p.Arg478Cys; replaces arginine 478 with cysteine.
Molecular consequence: missense variant.
Genome position (GRCh38, 1-based): chr10:86,923,465, C>T. VCF-style: chr10-86923465-C-T. GRCh37 (hg19) VCF-style: chr10-88683222-C-T.
Other names: short protein forms R478C.
Identifiers: ClinVar variation 246435 (VCV000246435.25), dbSNP rs372178531, ClinGen allele CA5585718.